The following is an entry in ClinVar:

ClinVar aggregate classification (germline): Likely benign. Review status: criteria provided, multiple submitters, no conflicts (2 of 4 stars). 2 submissions from 2 submitters: Likely benign (2). Last evaluated 2025-08-01.

Submissions (2):

CeGaT Center for Human Genetics Tuebingen
Classification: Likely benign. Last evaluated: 2025-08-01. Review status: criteria provided, single submitter. Criteria: CeGaT Center For Human Genetics Tuebingen Variant Classification Criteria Version 2. Collection method: clinical testing. Allele origin: germline. Affected: yes. Observed: 1 variant allele.
Comment: NF1: PM2:Supporting, BP4, BP7

Blueprint Genetics
Classification: Likely benign. Last evaluated: 2018-01-18. Review status: criteria provided, single submitter. Criteria: ACMG Guidelines, 2015. Collection method: clinical testing. Allele origin: germline.

NM_001042492.3(NF1):c.2646T>C (p.Ser882=)

Gene: NF1 (neurofibromin 1; plus strand). Cytogenetic location: 17q11.2.
Variant type: single nucleotide variant.
Coding change: c.2646T>C on transcript NM_001042492.3 (MANE Select); coding-DNA position 2646, T replaced by C.
Protein change: p.Ser882=; no amino-acid change (serine 882 retained).
Molecular consequence: synonymous variant.
Genome position (GRCh38, 1-based): chr17:31,229,261, T>C. VCF-style: chr17-31229261-T-C. GRCh37 (hg19) VCF-style: chr17-29556279-T-C.
Other names: c.2646T>C, p.Ser882= (NM_000267.4).
Identifiers: ClinVar variation 4084722 (VCV004084722.9).
Genomic context (GRCh38, chr17:31,229,261, plus strand): 5'-CTATAGCCCACCCATGGGTCCAGTCAGTGAACGTAAGGGTTCTATGATTTCAGTGATGTC[T>C]TCAGAGGGAAACGCAGATACACCTGTCAGCAAATTTATGGATCGGCTGTTGTCCTTAATG-3'
Protein context (NP_001035957.1, residues 872-892): ERKGSMISVM[Ser882=]SEGNADTPVS